The following is an entry in ClinVar:

NM_000465.4(BARD1):c.1107del (p.Lys369fs)

Gene: BARD1 (BRCA1 associated RING domain 1; minus strand). Cytogenetic location: 2q35.
Variant type: Deletion.
Coding change: c.1107del on transcript NM_000465.4 (MANE Select); coding-DNA position 1107, one base deleted (A; older notation c.1107delA).
Protein change: p.Lys369fs; shifts the reading frame from lysine 369.
Molecular consequence: frameshift variant. On other transcripts: non-coding transcript variant (2), intron variant (3).
Genome position (GRCh38, 1-based): chr2:214,780,767, T deleted on the plus strand (A on the coding strand, the reverse complement: BARD1 is on the minus strand); the first of 3 consecutive T bases (chr2:214,780,767-214,780,769); deleting any one gives the same sequence. VCF-style (leftmost placement, unchanged base first): chr2-214780766-GT-G. GRCh37 (hg19) VCF-style: chr2-215645490-GT-G.
Other names: c.1050del, p.Lys350fs (NM_001282543.2); c.159-28212del (NM_001282548.2); c.215+16294del (NM_001282545.2); c.364+11530del (NM_001282549.2); short protein forms K350fs, K369fs.
Identifiers: ClinVar variation 4856768 (VCV004856768.1).

ClinVar aggregate classification (germline): Pathogenic (1 of 4 stars; one submission).

Conditions:
Familial cancer of breast. Also called: BREAST CANCER, FAMILIAL; Hereditary breast cancer; hereditary breast carcinoma. Identifiers: Orphanet 227535, MedGen C0346153, MONDO:0016419, OMIM 114480. Disease mechanism: loss of function.

Submission:

Myriad Genetics, Inc.
Classification: Pathogenic for Familial cancer of breast. Last evaluated: 2026-03-31. Review status: criteria provided, single submitter. Criteria: Myriad Autosomal Dominant, Autosomal Recessive and X-Linked Classification Criteria (2023). Collection method: clinical testing. Allele origin: unknown.
Comment: This variant is considered pathogenic. This variant creates a frameshift predicted to result in premature protein truncation.